The following is an entry in ClinVar:

ClinVar aggregate classification (germline): Pathogenic (1 of 4 stars; one submission).

Submission:

Labcorp Genetics (formerly Invitae), Labcorp
Classification: Pathogenic. Last evaluated: 2024-02-03. Review status: criteria provided, single submitter. Criteria: Invitae Variant Classification Sherloc (09022015). Collection method: clinical testing. Allele origin: germline.
Comment: This sequence change creates a premature translational stop signal (p.Ser64*) in the C9 gene. It is expected to result in an absent or disrupted protein product. Loss-of-function variants in C9 are known to be pathogenic (PMID: 9144525, 9570574). This variant is not present in population databases (gnomAD no frequency). This variant has not been reported in the literature in individuals affected with C9-related conditions. For these reasons, this variant has been classified as Pathogenic.

Literature cited by the submitters: PubMed 9144525; PubMed 9570574.

NM_001737.5(C9):c.191C>G (p.Ser64Ter)

Gene: C9 (complement C9; minus strand). Cytogenetic location: 5p13.1.
Variant type: single nucleotide variant.
Coding change: c.191C>G on transcript NM_001737.5 (MANE Select); coding-DNA position 191, C replaced by G.
Protein change: p.Ser64Ter; replaces serine 64 with a stop codon.
Molecular consequence: nonsense.
Genome position (GRCh38, 1-based): chr5:39,341,693, G>C on the plus strand (C>G on the coding strand, the complement: C9 is on the minus strand). VCF-style: chr5-39341693-G-C. GRCh37 (hg19) VCF-style: chr5-39341795-G-C.
Other names: short protein forms S64*.
Identifiers: ClinVar variation 3638707 (VCV003638707.2).
Genomic context (GRCh38, chr5:39,341,693, plus strand): 5'-TCTCCCACAGCGTCGGTGCATCTTTTCCCATTAAATTGTCCAAAGACCTCAATGCTTCTT[G>C]AACGAAACTGCACAATATCAGTTGGAATGATTAGAATTTCTAATGCCAAAAAAAGGGTAT-3'